The following is an entry in ClinVar:

NM_015272.5(RPGRIP1L):c.744T>G (p.Leu248=)

Gene: RPGRIP1L (RPGRIP1 like; minus strand). Cytogenetic location: 16q12.2.
Variant type: single nucleotide variant.
Coding change: c.744T>G on transcript NM_015272.5 (MANE Select); coding-DNA position 744, T replaced by G.
Protein change: p.Leu248=; no amino-acid change (leucine 248 retained).
Molecular consequence: synonymous variant.
Genome position (GRCh38, 1-based): chr16:53,686,465, A>C on the plus strand (T>G on the coding strand, the complement: RPGRIP1L is on the minus strand). VCF-style: chr16-53686465-A-C. GRCh37 (hg19) VCF-style: chr16-53720377-A-C.
Other names: c.744T>G, p.Leu248= (NM_001127897.4, NM_001308334.3, NM_001330538.2); c.744T>G (NM_015272.4).
Identifiers: ClinVar variation 2140909 (VCV002140909.5), dbSNP rs2544638482, ClinGen allele CA495539010.
Genomic context (GRCh38, chr16:53,686,465, plus strand): 5'-TCAAAGTGATATTTCTGTTTTAACATACCTTTGATCTGTAGCTTGCTGTTCTCGAAGCTG[A>C]AGAAGAGATAACTCAATTTCATTTTCTTTTCTCCTCAACTGAGTTTTCAGGATCTCAGCC-3'
Protein context (NP_056087.2, residues 238-258): RKENEIELSL[Leu248=]QLREQQATDQ

ClinVar aggregate classification (germline): Likely benign. Review status: criteria provided, multiple submitters, no conflicts (2 of 4 stars). 2 submissions from 2 submitters: Likely benign (2). Last evaluated 2025-06-12.

Conditions:
RPGRIP1L-related disorder. Also called: RPGRIP1L-related condition; RPGRIP1L-related disorders. Identifiers: MedGen CN239416.
Joubert syndrome. Also called: JOUBERT-BOLTSHAUSER SYNDROME; Familial aplasia of the vermis. Identifiers: Orphanet 475, MedGen C5979921, MONDO:0018772.
Meckel-Gruber syndrome. Also called: DYSENCEPHALIA SPLANCHNOCYSTICA; GRUBER SYNDROME; Dysencephalia splachnocystica. Identifiers: Orphanet 564, MedGen C0265215, MONDO:0018921.

Allele frequency attached by ClinVar (database versions not stated): gnomAD exomes below 0.00001.
gnomAD v4.1: 2 of 1,613,588 alleles (0.00012%); highest among the groups gnomAD compares: Non-Finnish European, 0.00017%; no homozygotes.

Submissions (2):

PreventionGenetics, part of Exact Sciences
Classification: Likely benign for RPGRIP1L-related condition. Last evaluated: 2025-06-12. Review status: criteria provided, single submitter. Criteria: ACMG Guidelines, 2015. Collection method: clinical testing. Allele origin: germline.
Comment: This variant is classified as likely benign based on ACMG/AMP sequence variant interpretation guidelines (Richards et al. 2015 PMID: 25741868, with internal and published modifications).

Labcorp Genetics (formerly Invitae), Labcorp
Classification: Likely benign for Joubert syndrome; Meckel-Gruber syndrome. Last evaluated: 2023-04-01. Review status: criteria provided, single submitter. Criteria: Invitae Variant Classification Sherloc (09022015). Collection method: clinical testing. Allele origin: germline.